The following is an entry in ClinVar:

NM_015166.4(MLC1):c.976T>C (p.Cys326Arg)

Gene: MLC1 (modulator of VRAC current 1; minus strand). Cytogenetic location: 22q13.33.
Variant type: single nucleotide variant.
Coding change: c.976T>C on transcript NM_015166.4 (MANE Select); coding-DNA position 976, T replaced by C.
Protein change: p.Cys326Arg; replaces cysteine 326 with arginine.
Molecular consequence: missense variant. On other transcripts: non-coding transcript variant (3).
Genome position (GRCh38, 1-based): chr22:50,064,117, A>G on the plus strand (T>C on the coding strand, the complement: MLC1 is on the minus strand). VCF-style: chr22-50064117-A-G. GRCh37 (hg19) VCF-style: chr22-50502546-A-G.
Other names: c.976T>C, p.Cys326Arg (NM_001376477.1, NM_001376478.1, NM_139202.3 and 5 more transcripts); c.919T>C, p.Cys307Arg (NM_001376479.1); c.886T>C, p.Cys296Arg (NM_001376480.1); c.874T>C, p.Cys292Arg (NM_001376481.1); c.820T>C, p.Cys274Arg (NM_001376482.1, NM_001376483.1); c.739T>C, p.Cys247Arg (NM_001376484.1); short protein forms C247R, C274R, C292R, C296R, C307R, C326R.
Identifiers: ClinVar variation 4815820 (VCV004815820.6).

ClinVar aggregate classification (germline): Pathogenic/Likely pathogenic. Review status: criteria provided, multiple submitters, no conflicts (2 of 4 stars). 3 submissions from 3 submitters: Pathogenic (2); Likely pathogenic (1). Last evaluated 2026-01-01.

Conditions:
Megalencephalic leukoencephalopathy with subcortical cysts. Also called: VAN DER KNAAP DISEASE. Identifiers: Orphanet 2478, MedGen C1858854, MONDO:0011391.
MLC1-related disorder. Also called: MLC1-related condition.

gnomAD v4.1: 1 of 1,608,280 alleles (0.000062%); highest among the groups gnomAD compares: Non-Finnish European, 0.000085%; no homozygotes.

Submissions (3):

CeGaT Center for Human Genetics Tuebingen
Classification: Pathogenic. Last evaluated: 2026-01-01. Review status: criteria provided, single submitter. Criteria: CeGaT Center For Human Genetics Tuebingen Variant Classification Criteria Version 2. Collection method: clinical testing. Allele origin: germline. Affected: yes. Observed: 2 variant alleles.
Comment: MLC1: PS3:Very Strong, PM2, PM3, PP3

Natera, Inc.
Classification: Likely pathogenic for Megalencephalic leukoencephalopathy with subcortical cysts. Last evaluated: 2025-06-10. Review status: criteria provided, single submitter. Criteria: Natera Variant Classification Schema (03/2026). Collection method: clinical testing. Allele origin: germline.
Comment: The c.976T>C variant in MLC1 is a missense variant predicted to cause substitution of cysteine to arginine at amino acid 326. This variant is rare in the general population with a frequency below the threshold expected for the associated phenotype(s). This variant has been observed in one or more individuals affected with the associated recessive disease, as either homozygous or compound heterozygous with a second variant (PMID: 25497041, 11935341). Functional studies show that this variant may disrupt protein function (PMID: 22006981). Computational prediction algorithms indicate this variant is likely to affect gene or protein function. Given the available evidence, this variant is classified as Likely Pathogenic.

Blueprint Genetics
Classification: Pathogenic for MLC1-related disorders. Last evaluated: 2023-02-10. Review status: criteria provided, single submitter. Criteria: ACMG Guidelines, 2015. Collection method: clinical testing. Allele origin: germline. Affected: yes. Observed: 2 variant alleles.

Literature cited by the submitters: PubMed 25497041 (cited by Natera, Inc.); PubMed 11935341 (cited by Natera, Inc.); PubMed 22006981 (cited by Natera, Inc.).